The following is an entry in ClinVar:

NM_000466.3(PEX1):c.2798dup (p.Pro934fs)

Genes: PEX1 (peroxisomal biogenesis factor 1; minus strand), GATAD1 (GATA zinc finger domain containing 1; plus strand). Cytogenetic location: 7q21.2.
Variant type: Duplication.
Coding change: c.2798dup on transcript NM_000466.3 (MANE Select); coding-DNA position 2798, one base duplicated (A; older notation c.2798dupA).
Protein change: p.Pro934fs; shifts the reading frame from proline 934.
Molecular consequence: frameshift variant.
Genome position (GRCh38, 1-based): chr7:92,494,615, T duplicated on the plus strand (A on the coding strand, the reverse complement: PEX1 is on the minus strand); the first of 3 consecutive T bases (chr7:92,494,615-92,494,617); duplicating any one gives the same sequence. VCF-style (leftmost placement, unchanged base first): chr7-92494614-C-CT. GRCh37 (hg19) VCF-style: chr7-92123928-C-CT.
Other names: c.2627dup, p.Pro877fs (NM_001282677.2); c.2174dup, p.Pro726fs (NM_001282678.2); short protein forms P934fs, P726fs, P877fs.
Identifiers: ClinVar variation 371720 (VCV000371720.9), dbSNP rs1057517484, ClinGen allele CA16041150.

ClinVar aggregate classification (germline): Pathogenic/Likely pathogenic. Review status: criteria provided, multiple submitters, no conflicts (2 of 4 stars). 5 submissions from 4 submitters: Pathogenic (1); Likely pathogenic (2). 2 of the submissions do not count toward it. Last evaluated 2023-09-09.

Conditions:
Heimler syndrome 1 (HMLR1). Also called: PEROXISOME BIOGENESIS DISORDER 1C. Identifiers: Orphanet 3220, MedGen C4551980, OMIM 234580, MONDO:0024544.
Zellweger spectrum disorders (ZS). Also called: Zellweger Spectrum Disorder (ZSD); Zellweger Spectrum Disorder; Zellweger Spectrum; Zellweger syndrome. Identifiers: Orphanet 912, MedGen C0043459, MONDO:0019609.
Peroxisome biogenesis disorder 1B (PBD1B). Also called: Refsum disease, infantile form; Infantile Refsum disease; Infantile form of phytanic acid storage disease; PEROXISOME BIOGENESIS DISORDER (NEONATAL ADRENOLEUKODYSTROPHY/INFANTILE REFSUM DISEASE); INFANTILE PHYTANIC ACID STORAGE DISEASE; PEROXISOME BIOGENESIS DISORDER (NALD/IRD). Identifiers: Orphanet 44, MedGen C0282527, MONDO:0011101, OMIM 601539.
Peroxisome biogenesis disorder 1A (Zellweger) (PBD1A). Also called: Zellweger leukodystrophy; Peroxisome biogenesis disorder 1a. Identifiers: MedGen C4721541, MONDO:0008953, OMIM 214100.

Submissions (5):

Baylor Genetics
Classification: Likely pathogenic for Heimler syndrome 1. Last evaluated: 2023-09-09. Review status: criteria provided, single submitter. Criteria: ACMG Guidelines, 2015. Collection method: clinical testing. Allele origin: unknown.

Revvity Omics, Revvity
Classification: Likely pathogenic. Last evaluated: 2023-03-07. Review status: criteria provided, single submitter. Criteria: ACMG Guidelines, 2015. Collection method: clinical testing. Allele origin: germline.

Labcorp Genetics (formerly Invitae), Labcorp
Classification: Pathogenic for Zellweger spectrum disorders. Last evaluated: 2023-03-03. Review status: criteria provided, single submitter. Criteria: Invitae Variant Classification Sherloc (09022015). Collection method: clinical testing. Allele origin: germline.
Comment: This sequence change creates a premature translational stop signal (p.Pro934Alafs*7) in the PEX1 gene. It is expected to result in an absent or disrupted protein product. Loss-of-function variants in PEX1 are known to be pathogenic (PMID: 9398847, 16086329, 16141001, 21031596, 26387595, 31831025). This variant is not present in population databases (gnomAD no frequency). This variant has not been reported in the literature in individuals affected with PEX1-related conditions. ClinVar contains an entry for this variant (Variation ID: 371720). For these reasons, this variant has been classified as Pathogenic.

Counsyl
Classification: Likely pathogenic for Peroxisome biogenesis disorder 1A (Zellweger). Last evaluated: 2016-03-23. Review status: no assertion criteria provided. Collection method: clinical testing. Allele origin: unknown. Not counted in ClinVar's aggregate classification.

Counsyl
Classification: Likely pathogenic for Peroxisome biogenesis disorder 1B. Last evaluated: 2016-03-23. Review status: no assertion criteria provided. Collection method: clinical testing. Allele origin: unknown. Not counted in ClinVar's aggregate classification.

Literature cited by the submitters: PubMed 9398847 (cited by Labcorp Genetics (formerly Invitae), Labcorp); PubMed 16086329 (cited by Labcorp Genetics (formerly Invitae), Labcorp); PubMed 16141001 (cited by Labcorp Genetics (formerly Invitae), Labcorp); PubMed 21031596 (cited by Labcorp Genetics (formerly Invitae), Labcorp); PubMed 26387595 (cited by Labcorp Genetics (formerly Invitae), Labcorp); PubMed 31831025 (cited by Labcorp Genetics (formerly Invitae), Labcorp).